The following is an entry in ClinVar:

NM_003000.3(SDHB):c.237T>G (p.Ile79Met)

Gene: SDHB (succinate dehydrogenase complex iron sulfur subunit B; minus strand). Cytogenetic location: 1p36.13.
Variant type: single nucleotide variant.
Coding change: c.237T>G on transcript NM_003000.3 (MANE Select); coding-DNA position 237, T replaced by G.
Protein change: p.Ile79Met; replaces isoleucine 79 with methionine.
Molecular consequence: missense variant.
Genome position (GRCh38, 1-based): chr1:17,033,109, A>C on the plus strand (T>G on the coding strand, the complement: SDHB is on the minus strand). VCF-style: chr1-17033109-A-C. GRCh37 (hg19) VCF-style: chr1-17359604-A-C.
Other names: short protein forms I79M.
Identifiers: ClinVar variation 951152 (VCV000951152.9), dbSNP rs2078032308, ClinGen allele CA338276571.

ClinVar aggregate classification (germline): Uncertain significance. Review status: criteria provided, multiple submitters, no conflicts (2 of 4 stars). 2 submissions from 2 submitters: Uncertain significance (2). Last evaluated 2026-07-29.

Conditions:
Gastrointestinal stromal tumor. Also called: Gastrointestinal stromal tumor, somatic; Gastrointestinal stroma tumor. Identifiers: Orphanet 44890, MedGen C0238198, MeSH D046152, MONDO:0011719, OMIM 606764, HP:0100723.
Pheochromocytoma/paraganglioma syndrome 4. Also called: PARAGANGLIOMA, FAMILIAL MALIGNANT; PARAGANGLIOMAS, HEREDITARY EXTRAADRENAL; PHEOCHROMOCYTOMA, FAMILIAL EXTRAADRENAL; SDHB-Related Hereditary Paraganglioma-Pheochromocytoma Syndrome (Paragangliomas 4); SDHB-Related Hereditary Paraganglioma-Pheochromocytoma Syndrome; Paragangliomas 4. Identifiers: Orphanet 29072, MedGen C1861848, MONDO:0007273, OMIM 115310.
Pheochromocytoma. Also called: MAX-Related Hereditary Paraganglioma-Pheochromocytoma Syndrome. Identifiers: Orphanet 29072, MedGen C0031511, MONDO:0008233, OMIM 171300, HP:0002666.
Hereditary cancer-predisposing syndrome. Also called: Neoplastic Syndromes, Hereditary; Hereditary Cancer Syndrome; Tumor predisposition; Hereditary neoplastic syndrome. Identifiers: Orphanet 140162, MedGen C0027672, MeSH D009386, MONDO:0015356.

gnomAD v4.1: 1 of 1,613,914 alleles (0.000062%); no homozygotes.

Submissions (2):

Ambry Genetics
Classification: Uncertain significance for Hereditary cancer-predisposing syndrome. Last evaluated: 2026-07-29. Review status: criteria provided, single submitter. Criteria: Ambry Variant Classification Scheme 2023. Collection method: clinical testing. Allele origin: germline.
Comment: The p.I79M variant (also known as c.237T>G), located in coding exon 3 of the SDHB gene, results from a T to G substitution at nucleotide position 237. The isoleucine at codon 79 is replaced by methionine, an amino acid with highly similar properties. This amino acid position is conserved. In addition, this alteration is predicted to be deleterious by in silico analysis. Based on the available evidence, the clinical significance of this variant remains unclear.

Labcorp Genetics (formerly Invitae), Labcorp
Classification: Uncertain significance for Gastrointestinal stromal tumor; Pheochromocytoma/paraganglioma syndrome 4; Pheochromocytoma. Last evaluated: 2019-04-30. Review status: criteria provided, single submitter. Criteria: Invitae Variant Classification Sherloc (09022015). Collection method: clinical testing. Allele origin: germline.
Comment: This variant is not present in population databases (ExAC no frequency). This sequence change replaces isoleucine with methionine at codon 79 of the SDHB protein (p.Ile79Met). The isoleucine residue is highly conserved and there is a small physicochemical difference between isoleucine and methionine. This variant has not been reported in the literature in individuals with SDHB-related conditions. In summary, the available evidence is currently insufficient to determine the role of this variant in disease. Therefore, it has been classified as a Variant of Uncertain Significance. Algorithms developed to predict the effect of missense changes on protein structure and function are either unavailable or do not agree on the potential impact of this missense change (SIFT: "Deleterious"; PolyPhen-2: "Probably Damaging"; Align-GVGD: "Class C0").